The following is an entry in ClinVar:

NM_001378969.1(KCND3):c.1754C>T (p.Ser585Phe)

Gene: KCND3 (potassium voltage-gated channel subfamily D member 3; minus strand). Cytogenetic location: 1p13.2.
Variant type: single nucleotide variant.
Coding change: c.1754C>T on transcript NM_001378969.1 (MANE Select); coding-DNA position 1754, C replaced by T.
Protein change: p.Ser585Phe; replaces serine 585 with phenylalanine.
Molecular consequence: missense variant.
Genome position (GRCh38, 1-based): chr1:111,777,038, G>A on the plus strand (C>T on the coding strand, the complement: KCND3 is on the minus strand). VCF-style: chr1-111777038-G-A. GRCh37 (hg19) VCF-style: chr1-112319660-G-A.
Other names: c.1697C>T, p.Ser566Phe (NM_001378970.1, NM_172198.3); c.1754C>T, p.Ser585Phe (NM_004980.5); short protein forms S585F, S566F.
Identifiers: ClinVar variation 2008586 (VCV002008586.4), dbSNP rs1377170276, ClinGen allele CA341656301.
Genomic context (GRCh38, chr1:111,777,038, plus strand): 5'-AATGGGATGATTCGAGCCTTTGCGGGTGATGGGATGGAAGCCACCCACCTGGTTGTGAGG[G>A]AGGGCTGCTCACTGCCCTGGATGTGGATCGTGCTGAGCTCTTGCATGCTGCGCAGGCGAG-3'
Protein context (NP_001365898.1, residues 575-595): TIHIQGSEQP[Ser585Phe]LTTSRSSLNL

ClinVar aggregate classification (germline): Uncertain significance (1 of 4 stars; one submission).

Conditions:
Spinocerebellar ataxia type 19/22 (SCA19). Also called: SPINOCEREBELLAR ATAXIA 22; SPINOCEREBELLAR ATAXIA 19. Identifiers: Orphanet 98772, MedGen C1846367, MONDO:0011819, OMIM 607346.

Submission:

Labcorp Genetics (formerly Invitae), Labcorp
Classification: Uncertain significance for Spinocerebellar ataxia type 19/22. Last evaluated: 2022-06-20. Review status: criteria provided, single submitter. Criteria: Invitae Variant Classification Sherloc (09022015). Collection method: clinical testing. Allele origin: germline.
Comment: This sequence change replaces serine, which is neutral and polar, with phenylalanine, which is neutral and non-polar, at codon 585 of the KCND3 protein (p.Ser585Phe). This variant is present in population databases (no rsID available, gnomAD 0.007%). This variant has not been reported in the literature in individuals affected with KCND3-related conditions. Algorithms developed to predict the effect of missense changes on protein structure and function are either unavailable or do not agree on the potential impact of this missense change (SIFT: "Deleterious"; PolyPhen-2: "Possibly Damaging"; Align-GVGD: "Class C0"). In summary, the available evidence is currently insufficient to determine the role of this variant in disease. Therefore, it has been classified as a Variant of Uncertain Significance.